The following is an entry in ClinVar:

ClinVar aggregate classification (germline): Likely benign. Review status: criteria provided, multiple submitters, no conflicts (2 of 4 stars). 2 submissions from 2 submitters: Likely benign (2). Last evaluated 2025-08-01.

Conditions:
Multiple endocrine neoplasia, type 1 (MEN1). Also called: MEN I; WERMER SYNDROME; Endocrine adenomatosis multiple; MEN 1; MEA I. Identifiers: Orphanet 652, MedGen C0025267, MeSH D018761, MONDO:0007540, OMIM 131100.

Submissions (2):

CeGaT Center for Human Genetics Tuebingen
Classification: Likely benign. Last evaluated: 2025-08-01. Review status: criteria provided, single submitter. Criteria: CeGaT Center For Human Genetics Tuebingen Variant Classification Criteria Version 2. Collection method: clinical testing. Allele origin: germline. Affected: yes. Observed: 1 variant allele.
Comment: MEN1: PM2:Supporting, BP4, BP7

Women's Health and Genetics/Laboratory Corporation of America, LabCorp
Classification: Likely benign for Multiple Endocrine Neoplasia Type 1. Last evaluated: 2011-08-18. Review status: criteria provided, single submitter. Criteria: LabCorp Variant Classification Summary - May 2015. Collection method: curation, clinical testing. Allele origin: germline. Inheritance: autosomal unknown. Affected: yes.
ClinVar note: Converted during submission from likely benign to Likely benign.

NM_001370259.2(MEN1):c.249G>A (p.Leu83=)

Gene: MEN1 (menin 1; minus strand). Cytogenetic location: 11q13.1.
Variant type: single nucleotide variant.
Coding change: c.249G>A on transcript NM_001370259.2 (MANE Select); coding-DNA position 249, G replaced by A.
Protein change: p.Leu83=; no amino-acid change (leucine 83 retained).
Molecular consequence: synonymous variant.
Genome position (GRCh38, 1-based): chr11:64,809,861, C>T on the plus strand (G>A on the coding strand, the complement: MEN1 is on the minus strand). VCF-style: chr11-64809861-C-T. GRCh37 (hg19) VCF-style: chr11-64577333-C-T.
Other names: c.249G>A, p.Leu83= (NM_000244.4, NM_001370251.2, NM_001370260.2 and 9 more transcripts).
Identifiers: ClinVar variation 36527 (VCV000036527.12), dbSNP rs386134252, ClinGen allele CA009351.